The following is an entry in ClinVar:

ClinVar aggregate classification (germline): Uncertain significance (1 of 4 stars; one submission).

Submission:

Labcorp Genetics (formerly Invitae), Labcorp
Classification: Uncertain significance. Last evaluated: 2022-05-11. Review status: criteria provided, single submitter. Criteria: Invitae Variant Classification Sherloc (09022015). Collection method: clinical testing. Allele origin: germline.
Comment: In summary, the available evidence is currently insufficient to determine the role of this variant in disease. Therefore, it has been classified as a Variant of Uncertain Significance. Algorithms developed to predict the effect of missense changes on protein structure and function are either unavailable or do not agree on the potential impact of this missense change (SIFT: "Deleterious"; PolyPhen-2: "Probably Damaging"; Align-GVGD: "Class C0"). This variant has not been reported in the literature in individuals affected with SOX6-related conditions. This variant is not present in population databases (gnomAD no frequency). This sequence change replaces asparagine, which is neutral and polar, with lysine, which is basic and polar, at codon 808 of the SOX6 protein (p.Asn808Lys).

NM_001367873.1(SOX6):c.2484C>A (p.Asn828Lys)

Gene: SOX6 (SRY-box transcription factor 6; minus strand). Cytogenetic location: 11p15.2.
Variant type: single nucleotide variant.
Coding change: c.2484C>A on transcript NM_001367873.1 (MANE Select); coding-DNA position 2484, C replaced by A.
Protein change: p.Asn828Lys; replaces asparagine 828 with lysine.
Molecular consequence: missense variant.
Genome position (GRCh38, 1-based): chr11:15,972,812, G>T on the plus strand (C>A on the coding strand, the complement: SOX6 is on the minus strand). VCF-style: chr11-15972812-G-T. GRCh37 (hg19) VCF-style: chr11-15994358-G-T.
Other names: c.2403C>A, p.Asn801Lys (NM_001145811.2, NM_017508.3); c.2484C>A, p.Asn828Lys (NM_001145819.2); c.2361C>A, p.Asn787Lys (NM_001367872.1); c.2424C>A, p.Asn808Lys (NM_033326.3); short protein forms N787K, N801K, N808K, N828K.
Identifiers: ClinVar variation 1951520 (VCV001951520.5), dbSNP rs1853356435, ClinGen allele CA379872713.